The following is an entry in ClinVar:

ClinVar aggregate classification (germline): Uncertain significance (1 of 4 stars; one submission).

Conditions:
Immunodeficiency 14 (IMD14A). Also called: p110-DELTA-ACTIVATING MUTATION CAUSING SENESCENT T CELLS, LYMPHADENOPATHY, AND IMMUNODEFICIENCY; IMMUNODEFICIENCY 14A WITH LYMPHOPROLIFERATION, AUTOSOMAL DOMINANT; ACTIVATED PI3K-DELTA SYNDROME 1; Activated PI3K Delta Syndrome Type 1 (APDS1). Identifiers: Orphanet 397596, Orphanet 693661, MedGen C5907821, MONDO:0014222, OMIM 615513.

Submission:

Labcorp Genetics (formerly Invitae), Labcorp
Classification: Uncertain significance for Activated PI3K-delta syndrome. Last evaluated: 2024-01-11. Review status: criteria provided, single submitter. Criteria: Invitae Variant Classification Sherloc (09022015). Collection method: clinical testing. Allele origin: germline.
Comment: This sequence change replaces histidine, which is basic and polar, with glutamine, which is neutral and polar, at codon 349 of the PIK3CD protein (p.His349Gln). This variant is not present in population databases (gnomAD no frequency). This variant has not been reported in the literature in individuals affected with PIK3CD-related conditions. Advanced modeling of protein sequence and biophysical properties (such as structural, functional, and spatial information, amino acid conservation, physicochemical variation, residue mobility, and thermodynamic stability) performed at Invitae indicates that this missense variant is expected to disrupt PIK3CD protein function with a positive predictive value of 80%. Algorithms developed to predict the effect of sequence changes on RNA splicing suggest that this variant may create or strengthen a splice site. In summary, the available evidence is currently insufficient to determine the role of this variant in disease. Therefore, it has been classified as a Variant of Uncertain Significance.

NM_005026.5(PIK3CD):c.1047C>G (p.His349Gln)

Genes: PIK3CD (phosphatidylinositol-4,5-bisphosphate 3-kinase catalytic subunit delta; plus strand), LOC126805612 (MED14-independent group 3 enhancer GRCh37_chr1:9778914-9780113; plus strand). Cytogenetic location: 1p36.22.
Variant type: single nucleotide variant.
Coding change: c.1047C>G on transcript NM_005026.5 (MANE Select); coding-DNA position 1047, C replaced by G.
Protein change: p.His349Gln; replaces histidine 349 with glutamine.
Molecular consequence: missense variant.
Genome position (GRCh38, 1-based): chr1:9,718,720, C>G. VCF-style: chr1-9718720-C-G. GRCh37 (hg19) VCF-style: chr1-9778778-C-G.
Other names: c.1047C>G, p.His349Gln (NM_001350234.2); c.960C>G, p.His320Gln (NM_001350235.1); short protein forms H320Q, H349Q.
Identifiers: ClinVar variation 2700393 (VCV002700393.3), dbSNP rs148357976, ClinGen allele CA338301985.